The following is an entry in ClinVar:

NM_000059.4(BRCA2):c.2585A>G (p.Lys862Arg)

Gene: BRCA2 (BRCA2 DNA repair associated; plus strand). Cytogenetic location: 13q13.1.
Variant type: single nucleotide variant.
Coding change: c.2585A>G on transcript NM_000059.4 (MANE Select); coding-DNA position 2585, A replaced by G.
Protein change: p.Lys862Arg; replaces lysine 862 with arginine.
Molecular consequence: missense variant.
Genome position (GRCh38, 1-based): chr13:32,336,940, A>G. VCF-style: chr13-32336940-A-G. GRCh37 (hg19) VCF-style: chr13-32911077-A-G.
Other names: short protein forms K862R.
Identifiers: ClinVar variation 231603 (VCV000231603.22), dbSNP rs876659257, ClinGen allele CA10579538.

ClinVar aggregate classification (germline): Conflicting classifications of pathogenicity. Review status: criteria provided, conflicting classifications (1 of 4 stars). 6 submissions from 6 submitters: Uncertain significance (5); Likely benign (1). Last evaluated 2026-01-20.

Conditions:
Hereditary cancer-predisposing syndrome. Also called: Neoplastic Syndromes, Hereditary; Tumor predisposition; Hereditary Cancer Syndrome; Hereditary neoplastic syndrome. Identifiers: Orphanet 140162, MedGen C0027672, MeSH D009386, MONDO:0015356.
Hereditary breast ovarian cancer syndrome. Also called: BRCA1- and BRCA2-Associated Hereditary Breast and Ovarian Cancer; Hereditary breast and ovarian cancer syndrome; Hereditary breast and ovarian cancer; Hereditary breast and ovarian cancer syndrome (HBOC); Breast and ovarian cancer; Hereditary breast and/or ovarian cancer syndrome. Identifiers: Orphanet 145, MedGen C0677776, MeSH D061325, MONDO:0003582. Disease mechanism: loss of function.

Submissions (6):

Labcorp Genetics (formerly Invitae), Labcorp
Classification: Uncertain significance for Hereditary breast ovarian cancer syndrome. Last evaluated: 2026-01-20. Review status: criteria provided, single submitter. Criteria: Invitae Variant Classification Sherloc (09022015). Collection method: clinical testing. Allele origin: germline.
Comment: This sequence change replaces lysine, which is basic and polar, with arginine, which is basic and polar, at codon 862 of the BRCA2 protein (p.Lys862Arg). This variant is not present in population databases (gnomAD no frequency). This missense change has been observed in individual(s) with BRCA2-related cancers (PMID: 31907386, 33078592). ClinVar contains an entry for this variant (Variation ID: 231603). Invitae Evidence Modeling of protein sequence and biophysical properties (such as structural, functional, and spatial information, amino acid conservation, physicochemical variation, residue mobility, and thermodynamic stability) indicates that this missense variant is not expected to disrupt BRCA2 protein function with a negative predictive value of 95%. In summary, the available evidence is currently insufficient to determine the role of this variant in disease. Therefore, it has been classified as a Variant of Uncertain Significance.

Women's Health and Genetics/Laboratory Corporation of America, LabCorp
Classification: Uncertain significance. Last evaluated: 2025-06-02. Review status: criteria provided, single submitter. Criteria: LabCorp Variant Classification Summary - May 2015. Collection method: clinical testing. Allele origin: germline.
Comment: Variant summary: BRCA2 c.2585A>G (p.Lys862Arg) results in a conservative amino acid change in the encoded protein sequence. Algorithms developed to predict the effect of missense changes on protein structure and function all suggest that this variant is likely to be tolerated. The variant was absent in 227224 control chromosomes. The available data on variant occurrences in the general population are insufficient to allow any conclusion about variant significance. c.2585A>G has been observed in individual(s) affected with/suspected of Hereditary Breast And Ovarian Cancer Syndrome (e.g. Ha_2020, Kim_2020, Park_2021, Dorling_2021). The variant has also been reported in unaffected controls (e.g. Dorling_2021 and Momozawa_2018). These reports do not provide unequivocal conclusions about association of the variant with Hereditary Breast And Ovarian Cancer Syndrome. To our knowledge, no experimental evidence demonstrating an impact on protein function has been reported. The following publications have been ascertained in the context of this evaluation (PMID: 33471991, 33078592, 31907386, 30287823, 34063308). ClinVar contains an entry for this variant (Variation ID: 231603). Based on the evidence outlined above, the variant was classified as uncertain significance.

Ambry Genetics
Classification: Uncertain significance for Hereditary cancer-predisposing syndrome. Last evaluated: 2024-09-03. Review status: criteria provided, single submitter. Criteria: Ambry Variant Classification Scheme 2023. Collection method: clinical testing. Allele origin: germline.
Comment: The p.K862R variant (also known as c.2585A>G), located in coding exon 10 of the BRCA2 gene, results from an A to G substitution at nucleotide position 2585. The lysine at codon 862 is replaced by arginine, an amino acid with highly similar properties. This alteration was identified in an individual diagnosed with breast and/or ovarian cancer (Park KS et al. Cancers (Basel), 2021 May;13:). This amino acid position is not well conserved in available vertebrate species. In addition, this alteration is predicted to be tolerated by in silico analysis. Based on the available evidence, the clinical significance of this variant remains unclear.

University of Washington Department of Laboratory Medicine, University of Washington
Classification: Likely benign for Hereditary cancer-predisposing syndrome. Last evaluated: 2023-03-23. Review status: criteria provided, single submitter. Criteria: Dines et al. (Genet Med. 2020). Collection method: curation. Allele origin: germline.
Comment: Missense variant in a coldspot region where missense variants are very unlikely to be pathogenic (PMID:31911673).

BRCA2 exon 11 coldspot. Reclassification based on statistical prior probability.

Color Diagnostics, LLC DBA Color Health
Classification: Uncertain significance for Hereditary cancer-predisposing syndrome. Last evaluated: 2019-06-08. Review status: criteria provided, single submitter. Criteria: ACMG Guidelines, 2015. Collection method: clinical testing. Allele origin: germline.

GeneDx
Classification: Uncertain significance. Last evaluated: 2019-04-24. Review status: criteria provided, single submitter. Criteria: GeneDx Variant Classification Process June 2021. Collection method: clinical testing. Allele origin: germline. Affected: yes.
Comment: Not observed in large population cohorts (Lek et al., 2016); This variant is associated with the following publications: (PMID: 30287823)

Literature cited by the submitters: PubMed 31907386 (cited by Labcorp Genetics (formerly Invitae), Labcorp and Women's Health and Genetics/Laboratory Corporation of America, LabCorp); PubMed 33078592 (cited by Labcorp Genetics (formerly Invitae), Labcorp and Women's Health and Genetics/Laboratory Corporation of America, LabCorp); PubMed 30287823 (cited by Women's Health and Genetics/Laboratory Corporation of America, LabCorp and Ambry Genetics); PubMed 33471991 (cited by Women's Health and Genetics/Laboratory Corporation of America, LabCorp); PubMed 34063308 (cited by Women's Health and Genetics/Laboratory Corporation of America, LabCorp and Ambry Genetics).